The following is an entry in ClinVar:

NM_000260.4(MYO7A):c.3127A>C (p.Ile1043Leu)

Gene: MYO7A (myosin VIIA; plus strand). Cytogenetic location: 11q13.5.
Variant type: single nucleotide variant.
Coding change: c.3127A>C on transcript NM_000260.4 (MANE Select); coding-DNA position 3127, A replaced by C.
Protein change: p.Ile1043Leu; replaces isoleucine 1043 with leucine.
Molecular consequence: missense variant.
Genome position (GRCh38, 1-based): chr11:77,182,442, A>C. VCF-style: chr11-77182442-A-C. GRCh37 (hg19) VCF-style: chr11-76893487-A-C.
Other names: c.3127A>C, p.Ile1043Leu (NM_001127180.2); c.3094A>C, p.Ile1032Leu (NM_001369365.1); short protein forms I1032L, I1043L.
Identifiers: ClinVar variation 2177654 (VCV002177654.3), dbSNP rs1555085405, ClinGen allele CA381944529.

ClinVar aggregate classification (germline): Uncertain significance (1 of 4 stars; one submission).

Submission:

Labcorp Genetics (formerly Invitae), Labcorp
Classification: Uncertain significance. Last evaluated: 2024-09-24. Review status: criteria provided, single submitter. Criteria: Invitae Variant Classification Sherloc (09022015). Collection method: clinical testing. Allele origin: germline.
Comment: This sequence change replaces isoleucine, which is neutral and non-polar, with leucine, which is neutral and non-polar, at codon 1043 of the MYO7A protein (p.Ile1043Leu). This variant is present in population databases (no rsID available, gnomAD 0.007%). This variant has not been reported in the literature in individuals affected with MYO7A-related conditions. ClinVar contains an entry for this variant (Variation ID: 2177654). Invitae Evidence Modeling of protein sequence and biophysical properties (such as structural, functional, and spatial information, amino acid conservation, physicochemical variation, residue mobility, and thermodynamic stability) indicates that this missense variant is not expected to disrupt MYO7A protein function with a negative predictive value of 95%. In summary, the available evidence is currently insufficient to determine the role of this variant in disease. Therefore, it has been classified as a Variant of Uncertain Significance.